The following is an entry in ClinVar:

ClinVar aggregate classification (germline): Conflicting classifications of pathogenicity. Review status: criteria provided, conflicting classifications (1 of 4 stars). 3 submissions from 3 submitters: Uncertain significance (2); Likely benign (1). Last evaluated 2024-09-13.

Conditions:
Cardiomyopathy (CMYO). Also called: Cardiomyopathies. Identifiers: Orphanet 167848, MedGen C0878544, MONDO:0004994, HP:0001638. Inheritance: Various modes of inheritance.

Allele frequency attached by ClinVar (database versions not stated): TOPMed 0.00001; gnomAD exomes 0.00002 and 0.00003; ExAC 0.00007; 1000 Genomes Project 0.00020; 1000 Genomes Project 30x 0.00031.
gnomAD v4.1: 32 of 1,609,286 alleles (0.002%); highest among the groups gnomAD compares: South Asian, 0.032%; 2 homozygotes.

Submissions (3):

All of Us Research Program, National Institutes of Health
Classification: Uncertain significance for Cardiomyopathy. Last evaluated: 2024-09-13. Review status: criteria provided, single submitter. Criteria: ACMG Guidelines, 2015. Collection method: clinical testing. Allele origin: germline. Inheritance: Autosomal dominant inheritance. Observed: 2 variant alleles, 2 heterozygotes.
Comment: This variant changes 1 nucleotide in the 3' untranslated region of the TNNT2 gene. To our knowledge, functional studies have not been reported for this variant. This variant has not been reported in individuals affected with TNNT2-related disorders in the literature. This variant has been identified in 8/241084 chromosomes in the general population by the Genome Aggregation Database (gnomAD). The available evidence is insufficient to determine the role of this variant in disease conclusively. Therefore, this variant is classified as a Variant of Uncertain Significance.

This study involves interpretation of variants in research participants for the purpose of population health screening. Participant phenotype was not available at the time of variant classification. Additional details can be found in publication PMID: 35346344, PMCID: PMC8962531

Color Diagnostics, LLC DBA Color Health
Classification: Uncertain significance for Cardiomyopathy. Last evaluated: 2024-07-12. Review status: criteria provided, single submitter. Criteria: ACMG Guidelines, 2015. Collection method: clinical testing. Allele origin: germline.
Comment: This variant changes 1 nucleotide in the 3' untranslated region of the TNNT2 gene. To our knowledge, functional studies have not been reported for this variant. This variant has not been reported in individuals affected with TNNT2-related disorders in the literature. This variant has been identified in 8/241084 chromosomes in the general population by the Genome Aggregation Database (gnomAD). The available evidence is insufficient to determine the role of this variant in disease conclusively. Therefore, this variant is classified as a Variant of Uncertain Significance.

GeneDx
Classification: Likely benign. Last evaluated: 2018-06-29. Review status: criteria provided, single submitter. Criteria: GeneDx Variant Classification Process June 2021. Collection method: clinical testing. Allele origin: germline. Affected: yes.

NM_001276345.2(TNNT2):c.*3C>A

Gene: TNNT2 (troponin T2, cardiac type; minus strand). Cytogenetic location: 1q32.1.
Variant type: single nucleotide variant.
Coding change: c.*3C>A on transcript NM_001276345.2 (MANE Select); 3 bases downstream of the stop codon, C replaced by A.
Molecular consequence: 3 prime UTR variant.
Genome position (GRCh38, 1-based): chr1:201,359,207, G>T on the plus strand (C>A on the coding strand, the complement: TNNT2 is on the minus strand). VCF-style: chr1-201359207-G-T. GRCh37 (hg19) VCF-style: chr1-201328335-G-T.
Other names: c.*3C>A (NM_000364.4, NM_001001430.3, NM_001001431.3 and 3 more transcripts).
Identifiers: ClinVar variation 921153 (VCV000921153.8), dbSNP rs529731863, ClinGen allele CA028066.